The following is an entry in ClinVar:

NM_182972.3(IRF2BP2):c.1049-11T>A

Gene: IRF2BP2 (interferon regulatory factor 2 binding protein 2; minus strand). Cytogenetic location: 1q42.3.
Variant type: single nucleotide variant.
Coding change: c.1049-11T>A on transcript NM_182972.3 (MANE Select); 11 bases into the intron before coding-DNA position 1049, T replaced by A.
Molecular consequence: intron variant.
Genome position (GRCh38, 1-based): chr1:234,607,863, A>T on the plus strand (T>A on the coding strand, the complement: IRF2BP2 is on the minus strand). VCF-style: chr1-234607863-A-T. GRCh37 (hg19) VCF-style: chr1-234743609-A-T.
Other names: c.1001-11T>A (NM_001077397.1).
Identifiers: ClinVar variation 1389938 (VCV001389938.6), dbSNP rs766404287, ClinGen allele CA529918200.
Genomic context (GRCh38, chr1:234,607,863, plus strand): 5'-TTCACCTTCTGGTTCTGGAGAGGGCTTCCTTTTCCTTGCTGTTCTTGCAACTGGAAACAC[A>T]AAGAAATAAAAGGAAAAAGGTAACATAAGTGGCGGTGCACTGAAAGAGATCATTCTCTTC-3'

ClinVar aggregate classification (germline): Uncertain significance (1 of 4 stars; one submission).

Allele frequency attached by ClinVar (database versions not stated): gnomAD 0.00001; TOPMed 0.00003.

Submission:

Labcorp Genetics (formerly Invitae), Labcorp
Classification: Uncertain significance. Last evaluated: 2024-11-18. Review status: criteria provided, single submitter. Criteria: Invitae Variant Classification Sherloc (09022015). Collection method: clinical testing. Allele origin: germline.
Comment: This sequence change falls in intron 1 of the IRF2BP2 gene. It does not directly change the encoded amino acid sequence of the IRF2BP2 protein. This variant is present in population databases (no rsID available, gnomAD 0.01%). This variant has not been reported in the literature in individuals affected with IRF2BP2-related conditions. ClinVar contains an entry for this variant (Variation ID: 1389938). Algorithms developed to predict the effect of sequence changes on RNA splicing suggest that this variant may disrupt the consensus splice site. In summary, the available evidence is currently insufficient to determine the role of this variant in disease. Therefore, it has been classified as a Variant of Uncertain Significance.